The following is an entry in ClinVar:

ClinVar aggregate classification (germline): Benign. Review status: criteria provided, multiple submitters, no conflicts (2 of 4 stars). 2 submissions from 2 submitters: Benign (2). Last evaluated 2018-01-12.

Conditions:
Ataxia-telangiectasia syndrome (AT). Also called: Ataxia telangiectasia (A-T); Cerebello-oculocutaneous telangiectasia; Immunodeficiency with ataxia telangiectasia; LOUIS-BAR SYNDROME; AT, COMPLEMENTATION GROUP C; ATAXIA-TELANGIECTASIA, FRESNO VARIANT. Identifiers: Orphanet 100, MedGen C0004135, MONDO:0008840, OMIM 208900.

Allele frequency attached by ClinVar (database versions not stated): 1000 Genomes Project 30x 0.01468; gnomAD exomes 0.02328; TOPMed 0.02725; 1000 Genomes Project 0.01597; gnomAD 0.02997 and 0.03007.
gnomAD v4.1: 5,275 of 183,470 alleles (2.9%); highest among the groups gnomAD compares: Non-Finnish European, 4.3%; 119 homozygotes.

Submissions (2):

Illumina Laboratory Services, Illumina
Classification: Benign for Ataxia-telangiectasia syndrome. Last evaluated: 2018-01-12. Review status: criteria provided, single submitter. Criteria: ICSL Variant Classification Criteria 13 December 2019. Collection method: clinical testing. Allele origin: germline.
Comment: This variant was observed in the ICSL laboratory as part of a predisposition screen in an ostensibly healthy population. It had not been previously curated by ICSL or reported in the Human Gene Mutation Database (HGMD: prior to June 1st, 2018), and was therefore a candidate for classification through an automated scoring system. Utilizing variant allele frequency, disease prevalence and penetrance estimates, and inheritance mode, an automated score was calculated to assess if this variant is too frequent to cause the disease. Based on the score and internal cut-off values, a variant classified as benign is not then subjected to further curation. The score for this variant resulted in a classification of benign for this disease.

Breakthrough Genomics
Classification: Benign. Review status: criteria provided, single submitter. Criteria: ACMG Guidelines, 2015. Collection method: not provided. Allele origin: germline. Inheritance: Autosomal recessive inheritance. Affected: yes.

NM_000051.4(ATM):c.*551T>C

Genes: ATM (ATM serine/threonine kinase; plus strand), C11orf65 (chromosome 11 open reading frame 65; minus strand). Cytogenetic location: 11q22.3.
Variant type: single nucleotide variant.
Coding change: c.*551T>C on transcript NM_000051.4 (MANE Select); 551 bases downstream of the stop codon, T replaced by C.
Molecular consequence: 3 prime UTR variant. On other transcripts: intron variant (2).
Genome position (GRCh38, 1-based): chr11:108,366,059, T>C. VCF-style: chr11-108366059-T-C. GRCh37 (hg19) VCF-style: chr11-108236786-T-C.
Other names: c.*551T>C (NM_001351834.2); c.640+19861A>G (NM_001330368.2); c.694+19861A>G (NM_001351110.2).
Identifiers: ClinVar variation 302266 (VCV000302266.8), dbSNP rs143531724, ClinGen allele CA10629790.